The following is an entry in ClinVar:

ClinVar aggregate classification (germline): Uncertain significance (1 of 4 stars; one submission).

Conditions:
Long QT syndrome (LQTS). Identifiers: MedGen C0023976, MeSH D008133, MONDO:0002442. Disease mechanism: loss of function. Inheritance: Various modes of inheritance.

Submission:

Labcorp Genetics (formerly Invitae), Labcorp
Classification: Uncertain significance for Long QT syndrome. Last evaluated: 2018-08-20. Review status: criteria provided, single submitter. Criteria: Invitae Variant Classification Sherloc (09022015). Collection method: clinical testing. Allele origin: germline.
Comment: This sequence change replaces alanine with proline at codon 1957 of the CACNA1C protein (p.Ala1957Pro). The alanine residue is moderately conserved and there is a small physicochemical difference between alanine and proline. This variant is not present in population databases (ExAC no frequency). This variant has not been reported in the literature in individuals with CACNA1C-related disease. Algorithms developed to predict the effect of missense changes on protein structure and function (SIFT, PolyPhen-2, Align-GVGD) all suggest that this variant is likely to be tolerated, but these predictions have not been confirmed by published functional studies and their clinical significance is uncertain. In summary, the available evidence is currently insufficient to determine the role of this variant in disease. Therefore, it has been classified as a Variant of Uncertain Significance.

NM_000719.7(CACNA1C):c.5869G>C (p.Ala1957Pro)

Genes: CACNA1C-AS1 (CACNA1C antisense RNA 1; minus strand), CACNA1C (calcium voltage-gated channel subunit alpha1 C; plus strand). Cytogenetic location: 12p13.33.
Variant type: single nucleotide variant.
Coding change: c.5869G>C on transcript NM_000719.7 (MANE Select); coding-DNA position 5869, G replaced by C.
Protein change: p.Ala1957Pro; replaces alanine 1957 with proline.
Molecular consequence: missense variant.
Genome position (GRCh38, 1-based): chr12:2,688,531, G>C. VCF-style: chr12-2688531-G-C. GRCh37 (hg19) VCF-style: chr12-2797697-G-C.
Other names: c.6013G>C, p.Ala2005Pro (NM_001129827.2); c.5992G>C, p.Ala1998Pro (NM_001129829.2); c.5974G>C, p.Ala1992Pro (NM_001129830.3, NM_001167624.3); c.5953G>C, p.Ala1985Pro (NM_001129831.2); c.5929G>C, p.Ala1977Pro (NM_001129832.2); c.5926G>C, p.Ala1976Pro (NM_001129833.2, NM_001129834.2, NM_001129835.2); c.5920G>C, p.Ala1974Pro (NM_001129836.2); c.5893G>C, p.Ala1965Pro (NM_001129837.2, NM_001129838.2); and 6 more; short protein forms A1963P, A1985P, A1992P, A2005P, A1946P, A1957P, A2040P, A1974P.
Identifiers: ClinVar variation 652453 (VCV000652453.9), dbSNP rs1603466869, ClinGen allele CA383384258.